The following is an entry in ClinVar:

ClinVar aggregate classification (germline): Benign. Review status: criteria provided, multiple submitters, no conflicts (2 of 4 stars). 2 submissions from 2 submitters: Benign (2). Last evaluated 2024-12-23.

Conditions:
Hereditary diffuse leukoencephalopathy with spheroids. Also called: LEUKOENCEPHALOPATHY, ADULT-ONSET, WITH AXONAL SPHEROIDS AND PIGMENTED GLIA. Identifiers: Orphanet 313808, MedGen C3711381, MONDO:0030796.

Allele frequency attached by ClinVar (database versions not stated): gnomAD below 0.00001 and 0.00007; TOPMed 0.00001; gnomAD exomes 0.00013 and 0.00023; ExAC 0.00028.
gnomAD v4.1: 206 of 1,614,074 alleles (0.013%); highest among the groups gnomAD compares: South Asian, 0.2%; 2 homozygotes.

Submissions (2):

Labcorp Genetics (formerly Invitae), Labcorp
Classification: Benign. Last evaluated: 2024-12-23. Review status: criteria provided, single submitter. Criteria: Invitae Variant Classification Sherloc (09022015). Collection method: clinical testing. Allele origin: germline.

Illumina Laboratory Services, Illumina
Classification: Benign for Leukoencephalopathy, diffuse hereditary, with spheroids 1. Last evaluated: 2018-01-13. Review status: criteria provided, single submitter. Criteria: ICSL Variant Classification Criteria 13 December 2019. Collection method: clinical testing. Allele origin: germline.
Comment: This variant was observed in the ICSL laboratory as part of a predisposition screen in an ostensibly healthy population. It had not been previously curated by ICSL or reported in the Human Gene Mutation Database (HGMD: prior to June 1st, 2018), and was therefore a candidate for classification through an automated scoring system. Utilizing variant allele frequency, disease prevalence and penetrance estimates, and inheritance mode, an automated score was calculated to assess if this variant is too frequent to cause the disease. Based on the score and internal cut-off values, a variant classified as benign is not then subjected to further curation. The score for this variant resulted in a classification of benign for this disease.

NM_001288705.3(CSF1R):c.225C>T (p.Thr75=)

Gene: CSF1R (colony stimulating factor 1 receptor; minus strand). Cytogenetic location: 5q32.
Variant type: single nucleotide variant.
Coding change: c.225C>T on transcript NM_001288705.3 (MANE Select); coding-DNA position 225, C replaced by T.
Protein change: p.Thr75=; no amino-acid change (threonine 75 retained).
Molecular consequence: synonymous variant. On other transcripts: 5 prime UTR variant (1), non-coding transcript variant (2).
Genome position (GRCh38, 1-based): chr5:150,080,849, G>A on the plus strand (C>T on the coding strand, the complement: CSF1R is on the minus strand). VCF-style: chr5-150080849-G-A. GRCh37 (hg19) VCF-style: chr5-149460412-G-A.
Other names: c.225C>T, p.Thr75= (NM_001349736.2, NM_001375320.1, NM_005211.4); c.-220C>T (NM_001375321.1).
Identifiers: ClinVar variation 352174 (VCV000352174.9), dbSNP rs781021919, ClinGen allele CA3507246.